The following is an entry in ClinVar:

ClinVar aggregate classification (germline): Uncertain significance. Review status: criteria provided, multiple submitters, no conflicts (2 of 4 stars). 3 submissions from 3 submitters: Uncertain significance (3). Last evaluated 2026-07-02.

Conditions:
Familial thoracic aortic aneurysm and aortic dissection (TAAD). Also called: Thoracic aortic aneurysms and dissections. Identifiers: Orphanet 91387, MedGen C4707243, MONDO:0019625.

Allele frequency attached by ClinVar (database versions not stated): gnomAD 0.00001.
gnomAD v4.1: 2 of 1,567,198 alleles (0.00013%); highest among the groups gnomAD compares: African/African-American, 0.0013%; no homozygotes.

Submissions (3):

Ambry Genetics
Classification: Uncertain significance for Familial thoracic aortic aneurysm and aortic dissection. Last evaluated: 2026-07-02. Review status: criteria provided, single submitter. Criteria: Ambry Variant Classification Scheme 2023. Collection method: clinical testing. Allele origin: germline.
Comment: The p.L1727F variant (also known as c.5179C>T), located in coding exon 36 of the MYH11 gene, results from a C to T substitution at nucleotide position 5179. The leucine at codon 1727 is replaced by phenylalanine, an amino acid with highly similar properties. This amino acid position is conserved. In addition, the in silico prediction for this alteration is inconclusive. Based on the available evidence, the clinical significance of this variant remains unclear.

All of Us Research Program, National Institutes of Health
Classification: Uncertain significance for Familial thoracic aortic aneurysm and aortic dissection. Last evaluated: 2024-07-10. Review status: criteria provided, single submitter. Criteria: ACMG Guidelines, 2015. Collection method: clinical testing. Allele origin: germline. Inheritance: Autosomal dominant inheritance. Observed: 1 variant allele, 1 heterozygote.
Comment: This missense variant replaces leucine with phenylalanine at codon 1734 of the MYH11 protein. Computational prediction is inconclusive regarding the impact of this variant on protein structure and function (internally defined REVEL score threshold 0.5 < inconclusive < 0.7, PMID: 27666373). To our knowledge, functional studies have not been reported for this variant. This variant has not been reported in individuals affected with cardiovascular disorders in the literature. This variant has not been identified in the general population by the Genome Aggregation Database (gnomAD). The available evidence is insufficient to determine the role of this variant in disease conclusively. Therefore, this variant is classified as a Variant of Uncertain Significance.

This study involves interpretation of variants in research participants for the purpose of population health screening. Participant phenotype was not available at the time of variant classification. Additional details can be found in publication PMID: 35346344, PMCID: PMC8962531

Color Diagnostics, LLC DBA Color Health
Classification: Uncertain significance for Familial thoracic aortic aneurysm and aortic dissection. Last evaluated: 2024-03-06. Review status: criteria provided, single submitter. Criteria: ACMG Guidelines, 2015. Collection method: clinical testing. Allele origin: germline.
Comment: This missense variant replaces leucine with phenylalanine at codon 1734 of the MYH11 protein. Computational prediction is inconclusive regarding the impact of this variant on protein structure and function (internally defined REVEL score threshold 0.5 < inconclusive < 0.7, PMID: 27666373). To our knowledge, functional studies have not been reported for this variant. This variant has not been reported in individuals affected with cardiovascular disorders in the literature. This variant has not been identified in the general population by the Genome Aggregation Database (gnomAD). The available evidence is insufficient to determine the role of this variant in disease conclusively. Therefore, this variant is classified as a Variant of Uncertain Significance.

NM_002474.3(MYH11):c.5179C>T (p.Leu1727Phe)

Genes: MYH11 (myosin heavy chain 11; minus strand), NDE1 (nudE neurodevelopment protein 1; plus strand). Cytogenetic location: 16p13.11.
Variant type: single nucleotide variant.
Coding change: c.5179C>T on transcript NM_002474.3 (MANE Select); coding-DNA position 5179, C replaced by T.
Protein change: p.Leu1727Phe; replaces leucine 1727 with phenylalanine.
Molecular consequence: missense variant. On other transcripts: intron variant (2).
Genome position (GRCh38, 1-based): chr16:15,718,431, G>A on the plus strand (C>T on the coding strand, the complement: MYH11 is on the minus strand). VCF-style: chr16-15718431-G-A. GRCh37 (hg19) VCF-style: chr16-15812288-G-A.
Other names: c.5200C>T, p.Leu1734Phe (NM_001040113.2, NM_001040114.2); c.5179C>T, p.Leu1727Phe (NM_022844.3); c.948-5760G>A (NM_001143979.2, NM_017668.3); c.5179C>T (NM_002474.2); short protein forms L1727F, L1734F.
Identifiers: ClinVar variation 923927 (VCV000923927.6), dbSNP rs2040286402, ClinGen allele CA394850280.
Genomic context (GRCh38, chr16:15,718,431, plus strand): 5'-CCTCCAGCTCCTCCTCCAGCTGGGCGATCCGGGCCTCCAGGCGGCGCTTCTCGTCCTGGA[G>A]TGCGTTCCTGGGGGAAGGGCGGCCATGGTGGGGGCCTCTACCCTCCCCCGCCTTAAAAGA-3'
Protein context (NP_002465.1, residues 1717-1737): LASSLSGRNA[Leu1727Phe]QDEKRRLEAR